The following is an entry in ClinVar:

NM_000891.3(KCNJ2):c.*210A>T

Gene: KCNJ2 (potassium inwardly rectifying channel subfamily J member 2; plus strand). Cytogenetic location: 17q24.3.
Variant type: single nucleotide variant.
Coding change: c.*210A>T on transcript NM_000891.3 (MANE Select); 210 bases downstream of the stop codon, A replaced by T.
Molecular consequence: 3 prime UTR variant.
Genome position (GRCh38, 1-based): chr17:70,176,533, A>T. VCF-style: chr17-70176533-A-T. GRCh37 (hg19) VCF-style: chr17-68172674-A-T.
Identifiers: ClinVar variation 892005 (VCV000892005.4), dbSNP rs146282466, ClinGen allele CA293702963.
Genomic context (GRCh38, chr17:70,176,533, plus strand): 5'-ACTGTAAGCTCCATGATTAGCATAAAGCACTAACCATGTCTCCATGTGACCCGATGGCAC[A>T]TAGATGTTGTAGAATAAGTTATGGGTTTTTATGTTTTGTTTTGTGTTTTTCCAAAACTTG-3'

ClinVar aggregate classification (germline): Conflicting classifications of pathogenicity. Review status: criteria provided, conflicting classifications (1 of 4 stars). 3 submissions from 1 submitter: Uncertain significance (1); Benign (2). Last evaluated 2018-01-13.

Conditions:
Atrial fibrillation, familial, 9 (ATFB9). Identifiers: MedGen C3151431, MONDO:0013513, OMIM 613980.
Andersen Tawil syndrome (LQT7). Also called: ANDERSEN CARDIODYSRHYTHMIC PERIODIC PARALYSIS; LONG QT SYNDROME 7; PERIODIC PARALYSIS, POTASSIUM-SENSITIVE CARDIODYSRHYTHMIC TYPE; Andersen Syndrome; Potassium-sensitive periodic paralysis, ventricular ectopy, and dysmorphic features. Identifiers: Orphanet 37553, MedGen C1563715, MONDO:0008222, OMIM 170390.
Short QT syndrome type 3. Identifiers: Orphanet 51083, MedGen C1865018, MONDO:0012314, OMIM 609622.

Allele frequency attached by ClinVar (database versions not stated): gnomAD exomes 0.00020; 1000 Genomes Project 0.00120; 1000 Genomes Project 30x 0.00125; gnomAD 0.00127 and 0.00140; TOPMed 0.00139.
gnomAD v4.1: 309 of 621,058 alleles (0.05%); highest among the groups gnomAD compares: African/African-American, 0.43%; 1 homozygote.

Submissions (3):

Illumina Laboratory Services, Illumina
Classification: Uncertain significance for Atrial fibrillation, familial, 9. Last evaluated: 2018-01-13. Review status: criteria provided, single submitter. Criteria: ICSL Variant Classification Criteria 13 December 2019. Collection method: clinical testing. Allele origin: germline.

Illumina Laboratory Services, Illumina
Classification: Benign for Short QT syndrome type 3. Last evaluated: 2018-01-13. Review status: criteria provided, single submitter. Criteria: ICSL Variant Classification Criteria 13 December 2019. Collection method: clinical testing. Allele origin: germline.
Comment: This variant was observed in the ICSL laboratory as part of a predisposition screen in an ostensibly healthy population. It had not been previously curated by ICSL or reported in the Human Gene Mutation Database (HGMD: prior to June 1st, 2018), and was therefore a candidate for classification through an automated scoring system. Utilizing variant allele frequency, disease prevalence and penetrance estimates, and inheritance mode, an automated score was calculated to assess if this variant is too frequent to cause the disease. Based on the score and internal cut-off values, a variant classified as benign is not then subjected to further curation. The score for this variant resulted in a classification of benign for this disease.

Illumina Laboratory Services, Illumina
Classification: Benign for Andersen Tawil syndrome. Last evaluated: 2018-01-13. Review status: criteria provided, single submitter. Criteria: ICSL Variant Classification Criteria 13 December 2019. Collection method: clinical testing. Allele origin: germline.
Comment: the same text as in the submission from Illumina Laboratory Services, Illumina above.